The following is an entry in ClinVar:

ClinVar aggregate classification (germline): Uncertain significance. Review status: criteria provided, multiple submitters, no conflicts (2 of 4 stars). 2 submissions from 2 submitters: Uncertain significance (2). Last evaluated 2025-11-10.

Conditions:
Hereditary cancer-predisposing syndrome. Also called: Neoplastic Syndromes, Hereditary; Hereditary neoplastic syndrome; Tumor predisposition; Hereditary Cancer Syndrome. Identifiers: Orphanet 140162, MedGen C0027672, MeSH D009386, MONDO:0015356.
Multiple endocrine neoplasia, type 2 (MEN2). Identifiers: Orphanet 653, MedGen C4048306, MONDO:0019003. Disease mechanism: gain of function.

Allele frequency attached by ClinVar (database versions not stated): gnomAD exomes below 0.00001.
gnomAD v4.1: 1 of 1,613,470 alleles (0.000062%); highest among the groups gnomAD compares: Non-Finnish European, 0.000085%; no homozygotes.

Submissions (2):

Labcorp Genetics (formerly Invitae), Labcorp
Classification: Uncertain significance for Multiple endocrine neoplasia, type 2. Last evaluated: 2025-11-10. Review status: criteria provided, single submitter. Criteria: Invitae Variant Classification Sherloc (09022015). Collection method: clinical testing. Allele origin: germline.
Comment: This sequence change replaces glycine, which is neutral and non-polar, with valine, which is neutral and non-polar, at codon 308 of the RET protein (p.Gly308Val). This variant is not present in population databases (gnomAD no frequency). This variant has not been reported in the literature in individuals affected with RET-related conditions. ClinVar contains an entry for this variant (Variation ID: 2496750). An algorithm developed to predict the effect of missense changes on protein structure and function (PolyPhen-2) suggests that this variant is likely to be tolerated. In summary, the available evidence is currently insufficient to determine the role of this variant in disease. Therefore, it has been classified as a Variant of Uncertain Significance.

Ambry Genetics
Classification: Uncertain significance for Hereditary cancer-predisposing syndrome. Last evaluated: 2022-12-09. Review status: criteria provided, single submitter. Criteria: Ambry Variant Classification Scheme 2023. Collection method: clinical testing. Allele origin: germline.
Comment: The p.G308V variant (also known as c.923G>T), located in coding exon 5 of the RET gene, results from a G to T substitution at nucleotide position 923. The glycine at codon 308 is replaced by valine, an amino acid with dissimilar properties. This amino acid position is well conserved in available vertebrate species. In addition, the in silico prediction for this alteration is inconclusive. Since supporting evidence is limited at this time, the clinical significance of this alteration remains unclear.

NM_020975.6(RET):c.923G>T (p.Gly308Val)

Gene: RET (ret proto-oncogene; plus strand). Cytogenetic location: 10q11.21.
Variant type: single nucleotide variant.
Coding change: c.923G>T on transcript NM_020975.6 (MANE Select); coding-DNA position 923, G replaced by T.
Protein change: p.Gly308Val; replaces glycine 308 with valine.
Molecular consequence: missense variant. On other transcripts: intron variant (25).
Genome position (GRCh38, 1-based): chr10:43,106,431, G>T. VCF-style: chr10-43106431-G-T. GRCh37 (hg19) VCF-style: chr10-43601879-G-T.
Other names: c.923G>T, p.Gly308Val (NM_000323.2, NM_001406743.1, NM_001406744.1 and 6 more transcripts); c.161G>T, p.Gly54Val (NM_001355216.2); c.794G>T, p.Gly265Val (NM_001406761.1, NM_001406762.1, NM_001406764.1 and 1 more transcripts); c.635G>T, p.Gly212Val (NM_001406766.1, NM_001406767.1, NM_001406770.1); c.867+1238G>T (NM_001406772.1, NM_001406769.1); c.626-2600G>T (NM_001406773.1, NM_001406771.1); c.625+3802G>T (NM_001406782.1, NM_001406780.1, NM_001406779.1 and 3 more transcripts); c.738+1238G>T (NM_001406774.1); and 5 more; short protein forms G265V, G54V, G212V, G308V.
Identifiers: ClinVar variation 2496750 (VCV002496750.4), dbSNP rs2538403235, ClinGen allele CA376545921.
Genomic context (GRCh38, chr10:43,106,431, plus strand): 5'-TGCAGGACACCGTGGTGGCCACGCTGCGTGTCTTCGATGCAGACGTGGTACCTGCATCAG[G>T]GGAGCTGGTGAGGCGGTACACAAGCACGCTGCTCCCCGGGGACACCTGGGCCCAGCAGAC-3'
Protein context (NP_066124.1, residues 298-318): VFDADVVPAS[Gly308Val]ELVRRYTSTL